The following is an entry in ClinVar:

NM_000170.3(GLDC):c.194G>A (p.Arg65Gln)

Gene: GLDC (glycine decarboxylase; minus strand). Cytogenetic location: 9p24.1.
Variant type: single nucleotide variant.
Coding change: c.194G>A on transcript NM_000170.3 (MANE Select); coding-DNA position 194, G replaced by A.
Protein change: p.Arg65Gln; replaces arginine 65 with glutamine.
Molecular consequence: missense variant.
Genome position (GRCh38, 1-based): chr9:6,645,306, C>T on the plus strand (G>A on the coding strand, the complement: GLDC is on the minus strand). VCF-style: chr9-6645306-C-T. GRCh37 (hg19) VCF-style: chr9-6645306-C-T.
Other names: short protein forms R65Q.
Identifiers: ClinVar variation 2187144 (VCV002187144.2), dbSNP rs753246480, ClinGen allele CA4981275.

ClinVar aggregate classification (germline): Uncertain significance (1 of 4 stars; one submission).

Conditions:
Glycine encephalopathy. Also called: Nonketotic hyperglycinemia; Non-ketotic hyperglycinemia. Identifiers: Orphanet 407, MedGen C0751748, MONDO:0011612, HP:0008288.

Allele frequency attached by ClinVar (database versions not stated): ExAC 0.00001; gnomAD 0.00003; TOPMed 0.00004.
gnomAD v4.1: 11 of 1,596,204 alleles (0.00069%); highest among the groups gnomAD compares: Admixed American, 0.019%; no homozygotes.

Submission:

Labcorp Genetics (formerly Invitae), Labcorp
Classification: Uncertain significance for Glycine encephalopathy. Last evaluated: 2024-10-29. Review status: criteria provided, single submitter. Criteria: Invitae Variant Classification Sherloc (09022015). Collection method: clinical testing. Allele origin: germline.
Comment: This sequence change replaces arginine, which is basic and polar, with glutamine, which is neutral and polar, at codon 65 of the GLDC protein (p.Arg65Gln). This variant is present in population databases (rs753246480, gnomAD 0.02%). This variant has not been reported in the literature in individuals affected with GLDC-related conditions. ClinVar contains an entry for this variant (Variation ID: 2187144). Invitae Evidence Modeling of protein sequence and biophysical properties (such as structural, functional, and spatial information, amino acid conservation, physicochemical variation, residue mobility, and thermodynamic stability) indicates that this missense variant is not expected to disrupt GLDC protein function with a negative predictive value of 95%. In summary, the available evidence is currently insufficient to determine the role of this variant in disease. Therefore, it has been classified as a Variant of Uncertain Significance.